The following is an entry in ClinVar:

NM_001174089.2(SLC4A11):c.1880G>A (p.Ser627Asn)

Gene: SLC4A11 (solute carrier family 4 member 11; minus strand). Cytogenetic location: 20p13.
Variant type: single nucleotide variant.
Coding change: c.1880G>A on transcript NM_001174089.2 (MANE Select); coding-DNA position 1880, G replaced by A.
Protein change: p.Ser627Asn; replaces serine 627 with asparagine.
Molecular consequence: missense variant. On other transcripts: non-coding transcript variant (1).
Genome position (GRCh38, 1-based): chr20:3,229,233, C>T on the plus strand (G>A on the coding strand, the complement: SLC4A11 is on the minus strand). VCF-style: chr20-3229233-C-T. GRCh37 (hg19) VCF-style: chr20-3209879-C-T.
Other names: c.2009G>A, p.Ser670Asn (NM_001174090.2); c.1766G>A, p.Ser589Asn (NM_001363745.2); c.1823G>A, p.Ser608Asn (NM_001400277.1, NM_001400278.1, NM_001400279.1); c.1895G>A, p.Ser632Asn (NM_001400280.1); c.1928G>A, p.Ser643Asn (NM_032034.4); short protein forms S608N, S627N, S643N, S589N, S632N, S670N.
Identifiers: ClinVar variation 5006367 (VCV005006367.2).

ClinVar aggregate classification (germline): Uncertain significance (1 of 4 stars; one submission).

Conditions:
Corneal dystrophy, Fuchs endothelial, 4 (FECD4). Identifiers: Orphanet 98974, MedGen C2750450, MONDO:0013204, OMIM 613268.
Corneal dystrophy-perceptive deafness syndrome (CDPD). Also called: CORNEAL DYSTROPHY AND SENSORINEURAL DEAFNESS; HARBOYAN SYNDROME. Identifiers: Orphanet 1490, MedGen C1857572, MONDO:0009015, OMIM 217400.
Congenital hereditary endothelial dystrophy of cornea. Also called: CORNEAL DYSTROPHY, CONGENITAL HEREDITARY ENDOTHELIAL; Congenital hereditary endothelial dystrophy type II; Corneal endothelial dystrophy, autosomal recessive; Congenital hereditary endothelial dystrophy of the cornea; Maumenee corneal dystrophy. Identifiers: Orphanet 293603, MedGen C1857569, MONDO:0009019, OMIM 217700.

gnomAD v4.1: 1 of 1,612,988 alleles (0.000062%); highest among the groups gnomAD compares: Non-Finnish European, 0.000085%; no homozygotes.

Submission:

Juno Genomics, Hangzhou Juno Genomics, Inc
Classification: Uncertain significance for Corneal dystrophy, Fuchs endothelial, 4; Corneal dystrophy-perceptive deafness syndrome; Congenital hereditary endothelial dystrophy of cornea. Review status: criteria provided, single submitter. Criteria: ACMG Guidelines, 2015. Collection method: clinical testing. Allele origin: germline.
Comment: Absent from controls (or at extremely low frequency if recessive) in Genome Aggregation Database.;Multiple lines of computational evidence support a deleterious effect on the gene or gene product.